The following is an entry in ClinVar:

ClinVar aggregate classification (germline): Pathogenic. Review status: criteria provided, single submitter (1 of 4 stars). 2 submissions from 2 submitters: Pathogenic (1). 1 of the submissions does not count toward it. Last evaluated 2024-08-23.

Conditions:
CDKL5 disorder. Identifiers: MedGen CN296942, MONDO:0100039.
Atypical Rett syndrome. Also called: Rett like syndrome; Variant Rett Syndrome. Identifiers: Orphanet 3095, MedGen C2748910, MONDO:0017746.

Submissions (2):

Centre for Population Genomics, CPG
Classification: Pathogenic for CDKL5 disorder. Last evaluated: 2024-08-23. Review status: criteria provided, single submitter. Criteria: McKnight et al. (Hum Mutat. 2022). Collection method: curation. Allele origin: germline. Inheritance: X-linked inheritance.
Comment: This variant has been collected from RettBASE and curated to current modified ACMG/AMP criteria. Based on the classification scheme defined by the ClinGen Rett/Angelman-like Expert Panel for Rett/AS-like Disorders Specifications to the ACMG/AMP Variant Interpretation Guidelines VCEP 3.0, this variant is classified as pathogenic. At least the following criteria are met: Predicted to result in loss of function, and LOF is a known mechanism of disease (PVS1). This variant has been identified as a de novo occurrence in an individual with CDKL5 disorder with confirmed parental relationships (PS2) PMID: 35372146. This variant is absent from gnomAD v4 (PM2_Supporting).

RettBASE
Classification: Pathogenic for Atypical Rett syndrome. Last evaluated: 2014-03-13. Review status: no assertion criteria provided. Collection method: curation. Allele origin: unknown. Affected: yes. Observed: 1 variant allele. Not counted in ClinVar's aggregate classification.

Literature cited by the submitters: PubMed 22430159 (cited by RettBASE).

NM_001323289.2(CDKL5):c.1854del (p.Asp618fs)

Gene: CDKL5 (cyclin dependent kinase like 5; plus strand). Cytogenetic location: Xp22.13.
Variant type: Deletion.
Coding change: c.1854del on transcript NM_001323289.2 (MANE Select); coding-DNA position 1854, one base deleted (C; older notation c.1854delC).
Protein change: p.Asp618fs; shifts the reading frame from aspartic acid 618.
Molecular consequence: frameshift variant.
Genome position (GRCh38, 1-based): chrX:18,604,778, C deleted. VCF-style (leftmost placement, unchanged base first): chrX-18604777-AC-A. GRCh37 (hg19) VCF-style: chrX-18622897-AC-A.
Other names: NM_001323289.2(CDKL5):c.1854del; p.Asp618fs; c.1854del, p.Asp618fs (NM_001037343.2, NM_003159.3); c.1854delC (NM_003159.2); short protein forms D618fs.
Identifiers: ClinVar variation 189567 (VCV000189567.3), dbSNP rs786204975, ClinGen allele CA199384.